The following is an entry in ClinVar:

NM_006506.5(RASA2):c.302A>G (p.Tyr101Cys)

Gene: RASA2 (RAS p21 protein activator 2; plus strand). Cytogenetic location: 3q23.
Variant type: single nucleotide variant.
Coding change: c.302A>G on transcript NM_006506.5 (MANE Select); coding-DNA position 302, A replaced by G.
Protein change: p.Tyr101Cys; replaces tyrosine 101 with cysteine.
Molecular consequence: missense variant.
Genome position (GRCh38, 1-based): chr3:141,516,378, A>G. VCF-style: chr3-141516378-A-G. GRCh37 (hg19) VCF-style: chr3-141235220-A-G.
Other names: c.302A>G, p.Tyr101Cys (NM_001303245.3, NM_001303246.3); short protein forms Y101C.
Identifiers: ClinVar variation 4704195 (VCV004704195.1).
Genomic context (GRCh38, chr3:141,516,378, plus strand): 5'-TTCTTTCTAGCCCATTTTTCAGTGAAGAATTTTACTTTGAGATTCCAAGAACTTTCCAGT[A>G]TTTGTCTTTCTATGTTTATGATAAGAATGTTTTACAAAGAGATCTCCGTATAGGTATGTA-3'
Protein context (NP_006497.2, residues 91-111): FYFEIPRTFQ[Tyr101Cys]LSFYVYDKNV

ClinVar aggregate classification (germline): Uncertain significance (1 of 4 stars; one submission).

gnomAD v4.1: 2 of 1,568,950 alleles (0.00013%); highest among the groups gnomAD compares: East Asian, 0.0023%; no homozygotes.

Submission:

Labcorp Genetics (formerly Invitae), Labcorp
Classification: Uncertain significance. Last evaluated: 2025-06-23. Review status: criteria provided, single submitter. Criteria: Invitae Variant Classification Sherloc (09022015). Collection method: clinical testing. Allele origin: germline.
Comment: This sequence change replaces tyrosine, which is neutral and polar, with cysteine, which is neutral and slightly polar, at codon 101 of the RASA2 protein (p.Tyr101Cys). This variant is not present in population databases (gnomAD no frequency). This variant has not been reported in the literature in individuals affected with RASA2-related conditions. Invitae Evidence Modeling of protein sequence and biophysical properties (such as structural, functional, and spatial information, amino acid conservation, physicochemical variation, residue mobility, and thermodynamic stability) indicates that this missense variant is not expected to disrupt RASA2 protein function with a negative predictive value of 80%. In summary, the available evidence is currently insufficient to determine the role of this variant in disease. Therefore, it has been classified as a Variant of Uncertain Significance.